The following is an entry in ClinVar:

NM_052947.4(ALPK2):c.2010G>T (p.Met670Ile)

Gene: ALPK2 (alpha kinase 2; minus strand). Cytogenetic location: 18q21.31.
Variant type: single nucleotide variant.
Coding change: c.2010G>T on transcript NM_052947.4 (MANE Select); coding-DNA position 2010, G replaced by T.
Protein change: p.Met670Ile; replaces methionine 670 with isoleucine.
Molecular consequence: missense variant.
Genome position (GRCh38, 1-based): chr18:58,538,177, C>A on the plus strand (G>T on the coding strand, the complement: ALPK2 is on the minus strand). VCF-style: chr18-58538177-C-A. GRCh37 (hg19) VCF-style: chr18-56205409-C-A.
Other names: short protein forms M670I.
Identifiers: ClinVar variation 1784410 (VCV001784410.2), dbSNP rs2518878254, ClinGen allele CA402571900.
Genomic context (GRCh38, chr18:58,538,177, plus strand): 5'-GGAAATTGTTGTGGTCCCAGTGAATGGGGACTCCTCCCCAGCAGGCTCTGAGAAAGCTGG[C>A]ATCTGGCTGCAAGAGATTGTCTCTCTGACTGTTTCCTGAACTTGTACCTAGGAAGATGAA-3'
Protein context (NP_443179.3, residues 660-680): TVRETISCSQ[Met670Ile]PAFSEPAGEE

ClinVar aggregate classification (germline): Uncertain significance (1 of 4 stars; one submission).

Submission:

Ambry Genetics
Classification: Uncertain significance. Last evaluated: 2021-10-11. Review status: criteria provided, single submitter. Criteria: Ambry Variant Classification Scheme 2023. Collection method: clinical testing. Allele origin: germline.
Comment: The p.M670I variant (also known as c.2010G>T), located in coding exon 4 of the ALPK2 gene, results from a G to T substitution at nucleotide position 2010. The methionine at codon 670 is replaced by isoleucine, an amino acid with highly similar properties. This amino acid position is conserved. In addition, this alteration is predicted to be tolerated by in silico analysis. Since supporting evidence is limited at this time, the clinical significance of this alteration remains unclear.